The following is an entry in ClinVar:

ClinVar aggregate classification (germline): Likely pathogenic (1 of 4 stars; one submission).

Conditions:
Autosomal recessive ALPL-related disorders.

Submission:

Variantyx, Inc.
Classification: Likely pathogenic for Autosomal recessive ALPL-related disorders. Last evaluated: 2025-11-04. Review status: criteria provided, single submitter. Criteria: Variantyx Assertion Criteria 2022. Collection method: clinical testing. Allele origin: germline. Inheritance: Autosomal recessive inheritance.
Comment: This is a frameshift variant in the ALPL gene (OMIM: 171760). Pathogenic variants in this gene have been associated with autosomal recessive ALPL-related disorders. This variant introduces a premature termination codon in exon 4 out of 12. It is expected to result in loss of function, which is a known disease mechanism for ALPL in this disorder (PMID: 3174660, 10679946, 32973344, 33814268) (PVS1). This variant is absent from control populations (PM2). This variant has not been reported in individuals with ALPL-related disorders in the databases available for review. Based on the current evidence, this variant is classified as likely pathogenic for autosomal recessive ALPL-related disorders. Individuals with a single heterozygous ALPL variant may exhibit mild hypophosphatasia symptoms. A study found that individuals with a single heterozygous loss-of-function ALPL pathogenic variants had mild hypophosphatasia symptoms including osteoporosis, musculoskeletal pain, increased risk of fractures and some biochemical evidence of hypophosphatasia including low ALP level (PMID: 32973344).

Literature cited by the submitters: PubMed 3174660; PubMed 10679946; PubMed 32973344; PubMed 33814268.

NM_000478.6(ALPL):c.231_232dup (p.His78fs)

Gene: ALPL (alkaline phosphatase, biomineralization associated; plus strand). Cytogenetic location: 1p36.12.
Variant type: Duplication.
Coding change: c.231_232dup on transcript NM_000478.6 (MANE Select); coding-DNA positions 231 to 232, 2 bases duplicated (CC; older notation c.231_232dupCC).
Protein change: p.His78fs; shifts the reading frame from histidine 78.
Molecular consequence: frameshift variant. On other transcripts: intron variant (1).
Genome position (GRCh38, 1-based): chr1:21,561,146-21,561,147, CC duplicated. VCF-style (leftmost placement, unchanged base first): chr1-21561145-T-TCC. GRCh37 (hg19) VCF-style: chr1-21887638-T-TCC.
Other names: c.231_232dup, p.His78fs (NM_001369803.2, NM_001369804.2, NM_001369805.2); c.66+401_66+402dup (NM_001177520.3); c.66_67dup, p.His23fs (NM_001127501.4); short protein forms H23fs, H78fs.
Identifiers: ClinVar variation 4813057 (VCV004813057.1).